The following is an entry in ClinVar:

NM_032634.4(PIGO):c.119G>A (p.Ser40Asn)

Gene: PIGO (phosphatidylinositol glycan anchor biosynthesis class O; minus strand). Cytogenetic location: 9p13.3.
Variant type: single nucleotide variant.
Coding change: c.119G>A on transcript NM_032634.4 (MANE Select); coding-DNA position 119, G replaced by A.
Protein change: p.Ser40Asn; replaces serine 40 with asparagine.
Molecular consequence: missense variant.
Genome position (GRCh38, 1-based): chr9:35,095,447, C>T on the plus strand (G>A on the coding strand, the complement: PIGO is on the minus strand). VCF-style: chr9-35095447-C-T. GRCh37 (hg19) VCF-style: chr9-35095444-C-T.
Other names: c.119G>A, p.Ser40Asn (NM_001201484.2, NM_152850.4); short protein forms S40N.
Identifiers: ClinVar variation 2796703 (VCV002796703.3), dbSNP rs748583274, ClinGen allele CA5041005.
Genomic context (GRCh38, chr9:35,095,447, plus strand): 5'-GCCCCAGGTTTCCCTTGGCTCCCCCATGGCAGGGACCCAGGGCCTGGGGGCTCTTGGCAG[C>T]TGCTATGGTTGGTGAGCTCCAAACGGGTGAGCAGGAAGCCACTGGTGAAGAGGGCAATGC-3'
Protein context (NP_116023.2, residues 30-50): LTRLELTNHS[Ser40Asn]CQEPPGPGSL

ClinVar aggregate classification (germline): Uncertain significance (1 of 4 stars; one submission).

Conditions:
Hyperphosphatasia with impaired intellectual development syndrome 2. Also called: GLYCOSYLPHOSPHATIDYLINOSITOL BIOSYNTHESIS DEFECT 6; Hyperphosphatasia with intellectual disability syndrome 2. Identifiers: Orphanet 247262, MedGen C3553637, MONDO:0013882, OMIM 614749.

Allele frequency attached by ClinVar (database versions not stated): gnomAD exomes below 0.00001; TOPMed below 0.00001; ExAC 0.00001.
gnomAD v4.1: 3 of 1,613,998 alleles (0.00019%); highest among the groups gnomAD compares: East Asian, 0.0045%; no homozygotes.

Submission:

Labcorp Genetics (formerly Invitae), Labcorp
Classification: Uncertain significance for Hyperphosphatasia with impaired intellectual development syndrome 2. Last evaluated: 2023-06-09. Review status: criteria provided, single submitter. Criteria: Invitae Variant Classification Sherloc (09022015). Collection method: clinical testing. Allele origin: germline.
Comment: This variant is present in population databases (rs748583274, gnomAD 0.01%). This variant has not been reported in the literature in individuals affected with PIGO-related conditions. Advanced modeling of protein sequence and biophysical properties (such as structural, functional, and spatial information, amino acid conservation, physicochemical variation, residue mobility, and thermodynamic stability) performed at Invitae indicates that this missense variant is not expected to disrupt PIGO protein function. In summary, the available evidence is currently insufficient to determine the role of this variant in disease. Therefore, it has been classified as a Variant of Uncertain Significance. This sequence change replaces serine, which is neutral and polar, with asparagine, which is neutral and polar, at codon 40 of the PIGO protein (p.Ser40Asn).